The following is an entry in ClinVar:

ClinVar aggregate classification (germline): Uncertain significance (1 of 4 stars; one submission).

Conditions:
Luscan-Lumish syndrome. Identifiers: Orphanet 597738, MedGen C4085873, MONDO:0014791, OMIM 616831.

Allele frequency attached by ClinVar (database versions not stated): gnomAD 0.00001; TOPMed 0.00002.
gnomAD v4.1: 2 of 1,614,050 alleles (0.00012%); highest among the groups gnomAD compares: Non-Finnish European, 0.000085%; no homozygotes.

Submission:

Labcorp Genetics (formerly Invitae), Labcorp
Classification: Uncertain significance for Luscan-Lumish syndrome. Last evaluated: 2020-03-14. Review status: criteria provided, single submitter. Criteria: Invitae Variant Classification Sherloc (09022015). Collection method: clinical testing. Allele origin: germline.
Comment: This sequence change replaces isoleucine with valine at codon 1944 of the SETD2 protein (p.Ile1944Val). The isoleucine residue is moderately conserved and there is a small physicochemical difference between isoleucine and valine. This variant is not present in population databases (ExAC no frequency). This variant has not been reported in the literature in individuals with SETD2-related conditions. Algorithms developed to predict the effect of missense changes on protein structure and function output the following: SIFT: Tolerated; PolyPhen-2: Benign; Align-GVGD: Class C0. The valine amino acid residue is found in multiple mammalian species, suggesting that this missense change does not adversely affect protein function. These predictions have not been confirmed by published functional studies and their clinical significance is uncertain. In summary, the available evidence is currently insufficient to determine the role of this variant in disease. Therefore, it has been classified as a Variant of Uncertain Significance.

NM_014159.7(SETD2):c.5830A>G (p.Ile1944Val)

Gene: SETD2 (SET domain containing 2, histone lysine methyltransferase; minus strand). Cytogenetic location: 3p21.31.
Variant type: single nucleotide variant.
Coding change: c.5830A>G on transcript NM_014159.7 (MANE Select); coding-DNA position 5830, A replaced by G.
Protein change: p.Ile1944Val; replaces isoleucine 1944 with valine.
Molecular consequence: missense variant. On other transcripts: non-coding transcript variant (1).
Genome position (GRCh38, 1-based): chr3:47,083,950, T>C on the plus strand (A>G on the coding strand, the complement: SETD2 is on the minus strand). VCF-style: chr3-47083950-T-C. GRCh37 (hg19) VCF-style: chr3-47125440-T-C.
Other names: c.5698A>G, p.Ile1900Val (NM_001349370.3); short protein forms I1900V, I1944V.
Identifiers: ClinVar variation 1059936 (VCV001059936.1), dbSNP rs2041428665, ClinGen allele CA352533340.